The following is an entry in ClinVar:

NM_001042492.3(NF1):c.8161-19_8167del

Gene: NF1 (neurofibromin 1; plus strand). Cytogenetic location: 17q11.2.
Variant type: Deletion.
Coding change: c.8161-19_8167del on transcript NM_001042492.3 (MANE Select); 19 bases into the intron before coding-DNA position 8161 through coding-DNA position 8167, 26 bases deleted (TTCCTATTTTCCATTACAGCAAACAC).
Molecular consequence: splice acceptor variant.
Genome position (GRCh38, 1-based): chr17:31,360,468-31,360,493, TTCCTATTTTCCATTACAGCAAACAC deleted. VCF-style (leftmost placement, unchanged base first): chr17-31360467-TTTCCTATTTTCCATTACAGCAAACAC-T. GRCh37 (hg19) VCF-style: chr17-29687485-TTTCCTATTTTCCATTACAGCAAACAC-T.
Other names: c.8098-19_8104del (NM_000267.4).
Identifiers: ClinVar variation 4875956 (VCV004875956.1).

ClinVar aggregate classification (germline): Likely pathogenic (1 of 4 stars; one submission).

Conditions:
Neurofibromatosis, type 1 (NF1). Also called: VON RECKLINGHAUSEN DISEASE; NEUROFIBROMATOSIS, TYPE I, SOMATIC; Peripheral type neurofibromatosis; Neurofibromatosis, type I. Identifiers: Orphanet 636, MedGen C0027831, MONDO:0018975, OMIM 162200. Disease mechanism: loss of function.

Submission:

Myriad Genetics, Inc.
Classification: Likely pathogenic for Neurofibromatosis, type 1. Last evaluated: 2026-04-09. Review status: criteria provided, single submitter. Criteria: Myriad Autosomal Dominant, Autosomal Recessive and X-Linked Classification Criteria (2023). Collection method: clinical testing. Allele origin: unknown.
Comment: This variant is considered likely pathogenic. This variant occurs within a consensus splice junction and is predicted to result in abnormal mRNA splicing of either an out-of-frame exon or an in-frame exon necessary for protein stability and/or normal function.